The following is an entry in ClinVar:

NM_004168.4(SDHA):c.103T>C (p.Phe35Leu)

Gene: SDHA (succinate dehydrogenase complex flavoprotein subunit A; plus strand). Cytogenetic location: 5p15.33.
Variant type: single nucleotide variant.
Coding change: c.103T>C on transcript NM_004168.4 (MANE Select); coding-DNA position 103, T replaced by C.
Protein change: p.Phe35Leu; replaces phenylalanine 35 with leucine.
Molecular consequence: missense variant.
Genome position (GRCh38, 1-based): chr5:223,521, T>C. VCF-style: chr5-223521-T-C. GRCh37 (hg19) VCF-style: chr5-223636-T-C.
Other names: c.103T>C, p.Phe35Leu (NM_001294332.2, NM_001330758.2); c.103T>C (NM_004168.2); short protein forms F35L.
Identifiers: ClinVar variation 3750954 (VCV003750954.3).

ClinVar aggregate classification (germline): Uncertain significance. Review status: criteria provided, multiple submitters, no conflicts (2 of 4 stars). 2 submissions from 2 submitters: Uncertain significance (2). Last evaluated 2025-03-27.

Conditions:
Mitochondrial complex II deficiency, nuclear type 1. Also called: SUCCINATE CoQ REDUCTASE DEFICIENCY. Identifiers: Orphanet 3208, MedGen C5700310, MONDO:0100294, OMIM 252011.
Pheochromocytoma/paraganglioma syndrome 5. Also called: Paragangliomas 5; SDHA-Related Hereditary Paraganglioma-Pheochromocytoma Syndrome. Identifiers: Orphanet 29072, MedGen C3279992, MONDO:0013602, OMIM 614165.
Hereditary cancer-predisposing syndrome. Also called: Hereditary neoplastic syndrome; Neoplastic Syndromes, Hereditary; Tumor predisposition; Hereditary Cancer Syndrome. Identifiers: Orphanet 140162, MedGen C0027672, MeSH D009386, MONDO:0015356.

gnomAD v4.1: 3 of 1,613,908 alleles (0.00019%); highest among the groups gnomAD compares: Admixed American, 0.0017%; no homozygotes.

Submissions (2):

Ambry Genetics
Classification: Uncertain significance for Hereditary cancer-predisposing syndrome. Last evaluated: 2025-03-27. Review status: criteria provided, single submitter. Criteria: Ambry Variant Classification Scheme 2023. Collection method: clinical testing. Allele origin: germline.
Comment: The p.F35L variant (also known as c.103T>C), located in coding exon 2 of the SDHA gene, results from a T to C substitution at nucleotide position 103. The phenylalanine at codon 35 is replaced by leucine, an amino acid with highly similar properties. This amino acid position is conserved. In addition, this alteration is predicted to be tolerated by in silico analysis. Based on the available evidence, the clinical significance of this variant remains unclear.

Labcorp Genetics (formerly Invitae), Labcorp
Classification: Uncertain significance for Pheochromocytoma/paraganglioma syndrome 5; Mitochondrial complex II deficiency, nuclear type 1. Last evaluated: 2025-01-26. Review status: criteria provided, single submitter. Criteria: Invitae Variant Classification Sherloc (09022015). Collection method: clinical testing. Allele origin: germline.
Comment: This sequence change replaces phenylalanine, which is neutral and non-polar, with leucine, which is neutral and non-polar, at codon 35 of the SDHA protein (p.Phe35Leu). This variant is present in population databases (rs765434536, gnomAD 0.0009%). This variant has not been reported in the literature in individuals affected with SDHA-related conditions. Invitae Evidence Modeling of protein sequence and biophysical properties (such as structural, functional, and spatial information, amino acid conservation, physicochemical variation, residue mobility, and thermodynamic stability) indicates that this missense variant is not expected to disrupt SDHA protein function with a negative predictive value of 95%. In summary, the available evidence is currently insufficient to determine the role of this variant in disease. Therefore, it has been classified as a Variant of Uncertain Significance.